The following is an entry in ClinVar:

NM_001003694.2(BRPF1):c.1A>G (p.Met1Val)

Gene: BRPF1 (bromodomain and PHD finger containing 1; plus strand). Cytogenetic location: 3p25.3.
Variant type: single nucleotide variant.
Coding change: c.1A>G on transcript NM_001003694.2 (MANE Select); coding-DNA position 1, A replaced by G.
Protein change: p.Met1Val; changes the start codon (methionine 1).
Molecular consequence: missense variant, initiator codon variant. On other transcripts: non-coding transcript variant (1).
Genome position (GRCh38, 1-based): chr3:9,734,141, A>G. VCF-style: chr3-9734141-A-G. GRCh37 (hg19) VCF-style: chr3-9775825-A-G.
Other names: c.1A>G, p.Met1Val (NM_001319049.2, NM_001319050.2, NM_001410704.1 and 7 more transcripts); short protein forms M1V.
Identifiers: ClinVar variation 4890738 (VCV004890738.1).

ClinVar aggregate classification (germline): Pathogenic (1 of 4 stars; one submission).

Conditions:
Intellectual developmental disorder with dysmorphic facies and ptosis (IDDDFP). Identifiers: Orphanet 698090, MedGen C4310617, MONDO:0015022, OMIM 617333.

Submission:

Institute of Human Genetics, University of Leipzig Medical Center
Classification: Pathogenic for Intellectual developmental disorder with dysmorphic facies and ptosis. Last evaluated: 2026-08-31. Review status: criteria provided, single submitter. Criteria: ACMG Guidelines, 2015. Collection method: clinical testing. Allele origin: unknown. Inheritance: Autosomal dominant inheritance. Affected: yes.
Comment: Criteria applied: PVS1_STR,PS1,PM2